The following is an entry in ClinVar:

ClinVar aggregate classification (germline): Benign. Review status: criteria provided, multiple submitters, no conflicts (2 of 4 stars). 5 submissions from 5 submitters: Benign (3). 2 of the submissions do not count toward it. Last evaluated 2026-02-03.

Conditions:
CA5A-related disorder. Also called: CA5A-related condition.
Hyperammonemic encephalopathy due to carbonic anhydrase VA deficiency. Also called: Carbonic Anhydrase VA Deficiency; Carbonic anhydrase VA deficiency, hyperammonemia due to. Identifiers: Orphanet 401948, MedGen C4706871, MONDO:0014332, OMIM 615751.

Allele frequency attached by ClinVar (database versions not stated): 1000 Genomes Project 0.00739; 1000 Genomes Project 30x 0.00765; ESP Exome Variant Server 0.01336; TOPMed 0.01366; gnomAD exomes 0.01403 and 0.01796; gnomAD 0.01677; ExAC 0.02115.
gnomAD v4.1: 27,494 of 1,557,244 alleles (1.8%); highest among the groups gnomAD compares: Non-Finnish European, 2%; 254 homozygotes.

Submissions (5):

Labcorp Genetics (formerly Invitae), Labcorp
Classification: Benign for Hyperammonemic encephalopathy due to carbonic anhydrase VA deficiency. Last evaluated: 2026-02-03. Review status: criteria provided, single submitter. Criteria: Invitae Variant Classification Sherloc (09022015). Collection method: clinical testing. Allele origin: germline.

GeneDx
Classification: Benign. Last evaluated: 2016-09-02. Review status: criteria provided, single submitter. Criteria: GeneDx Variant Classification (06012015). Collection method: clinical testing. Allele origin: germline. Affected: yes.
Comment: This variant is considered likely benign or benign based on one or more of the following criteria: it is a conservative change, it occurs at a poorly conserved position in the protein, it is predicted to be benign by multiple in silico algorithms, and/or has population frequency not consistent with disease.

Breakthrough Genomics
Classification: Benign. Review status: criteria provided, single submitter. Criteria: ACMG Guidelines, 2015. Collection method: not provided. Allele origin: germline. Inheritance: Autosomal recessive inheritance. Affected: yes.

PreventionGenetics, part of Exact Sciences
Classification: Benign for CA5A-related condition. Last evaluated: 2019-09-13. Review status: no assertion criteria provided. Collection method: clinical testing. Allele origin: germline. Not counted in ClinVar's aggregate classification.
Comment: This variant is classified as benign based on ACMG/AMP sequence variant interpretation guidelines (Richards et al. 2015 PMID: 25741868, with internal and published modifications).

Mayo Clinic Laboratories, Mayo Clinic
Classification: Benign. Last evaluated: 2016-02-26. Review status: no assertion criteria provided. Collection method: clinical testing. Allele origin: unknown. Not counted in ClinVar's aggregate classification.

NM_001739.2(CA5A):c.645C>T (p.Phe215=)

Gene: CA5A (carbonic anhydrase 5A; minus strand). Cytogenetic location: 16q24.2.
Variant type: single nucleotide variant.
Coding change: c.645C>T on transcript NM_001739.2 (MANE Select); coding-DNA position 645, C replaced by T.
Protein change: p.Phe215=; no amino-acid change (phenylalanine 215 retained).
Molecular consequence: synonymous variant. On other transcripts: non-coding transcript variant (2).
Genome position (GRCh38, 1-based): chr16:87,891,928, G>A on the plus strand (C>T on the coding strand, the complement: CA5A is on the minus strand). VCF-style: chr16-87891928-G-A. GRCh37 (hg19) VCF-style: chr16-87925534-G-A.
Other names: c.645C>T, p.Phe215= (NM_001367225.1).
Identifiers: ClinVar variation 382589 (VCV000382589.16), dbSNP rs149154082, ClinGen allele CA8223330.